The following is an entry in ClinVar:

ClinVar aggregate classification (germline): Uncertain significance (1 of 4 stars; one submission).

Conditions:
Hereditary pancreatitis (PCTT). Also called: PRSS1-Related Hereditary Pancreatitis; Hereditary chronic pancreatitis. Identifiers: Orphanet 676, MedGen C0238339, MONDO:0008185, OMIM 167800.

Submission:

Ambry Genetics
Classification: Uncertain significance for Hereditary pancreatitis. Last evaluated: 2020-02-10. Review status: criteria provided, single submitter. Criteria: Ambry Variant Classification Scheme 2023. Collection method: clinical testing. Allele origin: germline.
Comment: The p.E328D variant (also known as c.984G>C), located in coding exon 8 of the CPA1 gene, results from a G to C substitution at nucleotide position 984. The glutamic acid at codon 328 is replaced by aspartic acid, an amino acid with highly similar properties. This amino acid position is highly conserved in available vertebrate species. In addition, this alteration is predicted to be tolerated by in silico analysis. Since supporting evidence is limited at this time, the clinical significance of this alteration remains unclear.

Literature cited by the submitters: PubMed 23955596.

NM_001868.4(CPA1):c.984G>C (p.Glu328Asp)

Gene: CPA1 (carboxypeptidase A1; plus strand). Cytogenetic location: 7q32.2.
Variant type: single nucleotide variant.
Coding change: c.984G>C on transcript NM_001868.4 (MANE Select); coding-DNA position 984, G replaced by C.
Protein change: p.Glu328Asp; replaces glutamic acid 328 with aspartic acid.
Molecular consequence: missense variant.
Genome position (GRCh38, 1-based): chr7:130,385,342, G>C. VCF-style: chr7-130385342-G-C. GRCh37 (hg19) VCF-style: chr7-130025183-G-C.
Other names: short protein forms E328D.
Identifiers: ClinVar variation 1768393 (VCV001768393.2), dbSNP rs2536012460, ClinGen allele CA369283953.